The following is an entry in ClinVar:

ClinVar aggregate classification (germline): Likely pathogenic (1 of 4 stars; one submission).

Conditions:
Autosomal recessive nonsyndromic hearing loss 12. Also called: DEAFNESS, AUTOSOMAL RECESSIVE 12. Identifiers: Orphanet 90636, MedGen C1832394, MONDO:0011067, OMIM 601386.

Submission:

Laboratory of Inherited Metabolic Diseases, Research centre for medical genetics
Classification: Likely pathogenic for Autosomal recessive nonsyndromic hearing loss 12. Review status: criteria provided, single submitter. Criteria: ACMG Guidelines, 2015. Collection method: clinical testing. Allele origin: germline. Inheritance: Autosomal recessive inheritance. Affected: yes.
Comment: PM2 strong, PM3 supporting, PP1 supporting

NM_022124.6(CDH23):c.6992T>C (p.Val2331Ala)

Gene: CDH23 (cadherin related 23; plus strand). Cytogenetic location: 10q22.1.
Variant type: single nucleotide variant.
Coding change: c.6992T>C on transcript NM_022124.6 (MANE Select); coding-DNA position 6992, T replaced by C.
Protein change: p.Val2331Ala; replaces valine 2331 with alanine.
Molecular consequence: missense variant.
Genome position (GRCh38, 1-based): chr10:71,798,516, T>C. VCF-style: chr10-71798516-T-C. GRCh37 (hg19) VCF-style: chr10-73558273-T-C.
Other names: c.272T>C, p.Val91Ala (NM_001171933.1, NM_001171934.1); short protein forms V2331A, V91A.
Identifiers: ClinVar variation 1687043 (VCV001687043.1), dbSNP rs2132965891, ClinGen allele CA377158216.